The following is an entry in ClinVar:

NM_001805.4(CEBPE):c.216C>T (p.Pro72=)

Gene: CEBPE (CCAAT enhancer binding protein epsilon; minus strand). Cytogenetic location: 14q11.2.
Variant type: single nucleotide variant.
Coding change: c.216C>T on transcript NM_001805.4 (MANE Select); coding-DNA position 216, C replaced by T.
Protein change: p.Pro72=; no amino-acid change (proline 72 retained).
Molecular consequence: synonymous variant.
Genome position (GRCh38, 1-based): chr14:23,118,876, G>A on the plus strand (C>T on the coding strand, the complement: CEBPE is on the minus strand). VCF-style: chr14-23118876-G-A. GRCh37 (hg19) VCF-style: chr14-23588085-G-A.
Other names: c.216C>T (NM_001805.3).
Identifiers: ClinVar variation 1105326 (VCV001105326.10), dbSNP rs200808733, ClinGen allele CA7111264.
Genomic context (GRCh38, chr14:23,118,876, plus strand): 5'-TGGAGGGTAGGCAAAGGGCCGAGGGTCAGGCGGCAAGTAGTGGGGGAAGGCAGGGGTTCC[G>A]GGGCCCTTGAGGCCTCTGGCCTCAGGCGCTGGCTTCACGGCAAAGAGATCGGAGAGAAGC-3'
Protein context (NP_001796.2, residues 62-82): PAPEARGLKG[Pro72=]GTPAFPHYLP

ClinVar aggregate classification (germline): Likely benign. Review status: criteria provided, multiple submitters, no conflicts (2 of 4 stars). 2 submissions from 2 submitters: Likely benign (2). Last evaluated 2025-09-29.

Conditions:
Specific granule deficiency. Identifiers: Orphanet 169142, MedGen C0398593, MONDO:0009506.
CEBPE-related disorder. Also called: CEBPE-related condition.

Allele frequency attached by ClinVar (database versions not stated): TOPMed 0.00003; gnomAD 0.00004; gnomAD exomes 0.00004; ExAC 0.00005; 1000 Genomes Project 30x 0.00016; 1000 Genomes Project 0.00020.
gnomAD v4.1: 52 of 1,614,008 alleles (0.0032%); highest among the groups gnomAD compares: Non-Finnish European, 0.0042%; no homozygotes.

Submissions (2):

PreventionGenetics, part of Exact Sciences
Classification: Likely benign for CEBPE-related condition. Last evaluated: 2025-09-29. Review status: criteria provided, single submitter. Criteria: ACMG Guidelines, 2015. Collection method: clinical testing. Allele origin: germline.
Comment: This variant is classified as likely benign based on ACMG/AMP sequence variant interpretation guidelines (Richards et al. 2015 PMID: 25741868, with internal and published modifications).

Labcorp Genetics (formerly Invitae), Labcorp
Classification: Likely benign for Specific granule deficiency. Last evaluated: 2025-04-27. Review status: criteria provided, single submitter. Criteria: Invitae Variant Classification Sherloc (09022015). Collection method: clinical testing. Allele origin: germline.